The following is an entry in ClinVar:

NM_001211.6(BUB1B):c.1354A>C (p.Lys452Gln)

Gene: BUB1B (BUB1 mitotic checkpoint serine/threonine kinase B; plus strand). Cytogenetic location: 15q15.1.
Variant type: single nucleotide variant.
Coding change: c.1354A>C on transcript NM_001211.6 (MANE Select); coding-DNA position 1354, A replaced by C.
Protein change: p.Lys452Gln; replaces lysine 452 with glutamine.
Molecular consequence: missense variant.
Genome position (GRCh38, 1-based): chr15:40,199,680, A>C. VCF-style: chr15-40199680-A-C. GRCh37 (hg19) VCF-style: chr15-40491881-A-C.
Other names: short protein forms K452Q.
Identifiers: ClinVar variation 3262229 (VCV003262229.1).

ClinVar aggregate classification (germline): Uncertain significance (1 of 4 stars; one submission).

Conditions:
Inborn genetic diseases. Identifiers: MedGen C0950123, MeSH D030342.

Submission:

Ambry Genetics
Classification: Uncertain significance for Inborn genetic diseases. Last evaluated: 2024-04-01. Review status: criteria provided, single submitter. Criteria: Ambry Variant Classification Scheme 2023. Collection method: clinical testing. Allele origin: germline.
Comment: The p.K452Q variant (also known as c.1354A>C), located in coding exon 10 of the BUB1B gene, results from an A to C substitution at nucleotide position 1354. The lysine at codon 452 is replaced by glutamine, an amino acid with similar properties. This amino acid position is conserved. In addition, this alteration is predicted to be tolerated by in silico analysis. Based on the available evidence, the clinical significance of this alteration remains unclear.